The following is an entry in ClinVar:

NM_001374353.1(GLI2):c.1561G>C (p.Glu521Gln)

Gene: GLI2 (GLI family zinc finger 2; plus strand). Cytogenetic location: 2q14.2.
Variant type: single nucleotide variant.
Coding change: c.1561G>C on transcript NM_001374353.1 (MANE Select); coding-DNA position 1561, G replaced by C.
Protein change: p.Glu521Gln; replaces glutamic acid 521 with glutamine.
Molecular consequence: missense variant.
Genome position (GRCh38, 1-based): chr2:120,982,809, G>C. VCF-style: chr2-120982809-G-C. GRCh37 (hg19) VCF-style: chr2-121740385-G-C.
Other names: c.1612G>C, p.Glu538Gln (NM_001371271.1, NM_005270.5); c.1186G>C, p.Glu396Gln (NM_001374354.1); short protein forms E396Q, E521Q, E538Q.
Identifiers: ClinVar variation 4881882 (VCV004881882.2).

ClinVar aggregate classification (germline): Uncertain significance (1 of 4 stars; one submission).

gnomAD v4.1: 1 of 1,614,150 alleles (0.000062%); highest among the groups gnomAD compares: Non-Finnish European, 0.000085%; no homozygotes.

Submission:

Dasa
Classification: Uncertain significance. Last evaluated: 2026-01-02. Review status: criteria provided, single submitter. Criteria: DASA Assertion Criteria. Collection method: clinical testing. Allele origin: germline.
Comment: NM_001374353.1(GLI2):c.1561G>C (p.Glu521Gln) is a missense variant that results in the substitution of glutamic acid with glutamine. This variant is rare in population databases. The currently available literature and clinical evidence are not sufficient to establish a definitive association between this variant and the reported condition. Therefore, this variant is classified as a variant of uncertain significance.